The following is an entry in ClinVar:

ClinVar aggregate classification (germline): Uncertain significance (1 of 4 stars; one submission).

Conditions:
Charcot-Marie-Tooth disease type 2. Also called: Charcot-Marie-Tooth type 2. Identifiers: Orphanet 64746, MedGen C0270914, MONDO:0018993.

Allele frequency attached by ClinVar (database versions not stated): ExAC 0.00002; gnomAD exomes 0.00001.

Submission:

Labcorp Genetics (formerly Invitae), Labcorp
Classification: Uncertain significance for Charcot-Marie-Tooth disease type 2. Last evaluated: 2023-01-26. Review status: criteria provided, single submitter. Criteria: Invitae Variant Classification Sherloc (09022015). Collection method: clinical testing. Allele origin: germline.
Comment: In summary, the available evidence is currently insufficient to determine the role of this variant in disease. Therefore, it has been classified as a Variant of Uncertain Significance. Algorithms developed to predict the effect of missense changes on protein structure and function (SIFT, PolyPhen-2, Align-GVGD) all suggest that this variant is likely to be tolerated. This variant has not been reported in the literature in individuals affected with MED25-related conditions. This variant is present in population databases (rs775637973, gnomAD 0.01%). This sequence change replaces glutamine, which is neutral and polar, with glutamic acid, which is acidic and polar, at codon 539 of the MED25 protein (p.Gln539Glu).

NM_030973.4(MED25):c.1615C>G (p.Gln539Glu)

Gene: MED25 (mediator complex subunit 25; plus strand). Cytogenetic location: 19q13.33.
Variant type: single nucleotide variant.
Coding change: c.1615C>G on transcript NM_030973.4 (MANE Select); coding-DNA position 1615, C replaced by G.
Protein change: p.Gln539Glu; replaces glutamine 539 with glutamic acid.
Molecular consequence: missense variant.
Genome position (GRCh38, 1-based): chr19:49,835,118, C>G. VCF-style: chr19-49835118-C-G. GRCh37 (hg19) VCF-style: chr19-50338375-C-G.
Other names: c.1615C>G, p.Gln539Glu (NM_001378355.1); short protein forms Q539E.
Identifiers: ClinVar variation 2875550 (VCV002875550.3), dbSNP rs775637973, ClinGen allele CA9585319.